The following is an entry in ClinVar:

NM_177438.3(DICER1):c.5437G>A (p.Glu1813Lys)

Gene: DICER1 (dicer 1, ribonuclease III; minus strand). Cytogenetic location: 14q32.13.
Variant type: single nucleotide variant.
Coding change: c.5437G>A on transcript NM_177438.3 (MANE Select); coding-DNA position 5437, G replaced by A.
Protein change: p.Glu1813Lys; replaces glutamic acid 1813 with lysine.
Molecular consequence: missense variant. On other transcripts: intron variant (1).
Genome position (GRCh38, 1-based): chr14:95,091,293, C>T on the plus strand (G>A on the coding strand, the complement: DICER1 is on the minus strand). VCF-style: chr14-95091293-C-T. GRCh37 (hg19) VCF-style: chr14-95557630-C-T.
Other names: c.5437G>A, p.Glu1813Lys (NM_001271282.3, NM_001291628.2, NM_030621.4); c.5365-184G>A (NM_001195573.1); short protein forms E1813K.
Identifiers: ClinVar variation 933088 (VCV000933088.5), dbSNP rs1889806807, ClinGen allele CA390864656.

ClinVar aggregate classification (germline): Conflicting classifications of pathogenicity. Review status: criteria provided, conflicting classifications (1 of 4 stars). 2 submissions from 2 submitters: Pathogenic (1); Uncertain significance (1). Last evaluated 2024-09-13.
ClinVar aggregate classification (somatic clinical impact): Tier I - Strong. Review status: criteria provided, single submitter (1 of 4 stars). 4 submissions from 1 submitter. Last evaluated 2025-04-09.

Conditions:
DICER1-related tumor predisposition. Also called: DICER1-related pleuropulmonary blastoma cancer predisposition syndrome; DICER1 syndrome. Identifiers: Orphanet 284343, MedGen C3839822, MONDO:0100216.
Hereditary cancer-predisposing syndrome. Also called: Tumor predisposition; Hereditary neoplastic syndrome; Neoplastic Syndromes, Hereditary; Hereditary Cancer Syndrome. Identifiers: Orphanet 140162, MedGen C0027672, MeSH D009386, MONDO:0015356.
Sertoli-Leydig cell tumor. Identifiers: MedGen C0206723, MONDO:0002479.
Primary intracranial sarcoma, DICER1-mutant. Identifiers: MedGen C5670660, MONDO:0858967.
Papillary thyroid carcinoma. Also called: Thyroid carcinoma, papillary, somatic; NONMEDULLARY THYROID CARCINOMA, PAPILLARY; Thyroid gland papillary carcinoma. Identifiers: Orphanet 146, MedGen C0238463, MeSH D000077273, MONDO:0005075, HP:0002895.
Pleuropulmonary blastoma (PPB). Identifiers: Orphanet 64742, MedGen C1266144, MONDO:0011014, OMIM 601200, HP:0100528.

Allele frequency attached by ClinVar (database versions not stated): gnomAD exomes below 0.00001.

Submissions (6):

Institute for Genomic Medicine (IGM) Clinical Laboratory, Nationwide Children's Hospital
Classification: Tier I - Strong for Papillary thyroid carcinoma. Assertion type: diagnostic. Clinical significance: supports diagnosis. Last evaluated: 2025-04-09. Review status: criteria provided, single submitter. Criteria: AMP/ASCO/CAP Guidelines, 2017. Collection method: clinical testing. Allele origin: somatic. Affected: yes.
Comment: Variant has Tier I (strong) clinical significance as a diagnostic inclusion criterion in thyroid gland papillary carcinoma, based on the following evidence: 1) Documented in one or more cancer databases (e.g., St. Jude Pecan, COSMIC, CIViC, OncoKB). 2) Appears in one or more well-established professional guidelines (e.g., World Health Organization [WHO]; National Comprehensive Cancer Network [NCCN]) as providing diagnostic, prognostic, or therapeutic information. 3) Information in the literature supports potential biologic effect of variant. 4) Diagnostic for a specific tumor type/classification based on well-powered studies with expert-level consensus (Evidence Level B; PMIDs: 29474644, 24617712, 26555935, 36251117, 38558329, 39283830).

Institute for Genomic Medicine (IGM) Clinical Laboratory, Nationwide Children's Hospital
Classification: Tier I - Strong for Primary intracranial sarcoma, DICER1-mutant. Assertion type: diagnostic. Clinical significance: supports diagnosis. Last evaluated: 2025-03-14. Review status: criteria provided, single submitter. Criteria: AMP/ASCO/CAP Guidelines, 2017. Collection method: clinical testing. Allele origin: somatic. Affected: yes.
Comment: Variant has Tier I (strong) clinical significance as a diagnostic inclusion criterion in primary intracranial sarcoma, DICER1-mutant, based on the following evidence: 1) Documented in one or more cancer databases (e.g., St. Jude Pecan, COSMIC, CIViC, OncoKB). 2) Appears in one or more well-established professional guidelines (e.g., World Health Organization [WHO]; National Comprehensive Cancer Network [NCCN]) as providing diagnostic, prognostic, or therapeutic information. 3) Information in the literature supports potential biologic effect of variant (PMIDs: 27036314, 26033159, 31417090). 4) Diagnostic for a specific tumor type/classification according to professional guidelines (Evidence Level A; PMIDs: 29881993, 32291395, 36966138, 31487013, 34674226).

Ambry Genetics
Classification: Uncertain significance for Hereditary cancer-predisposing syndrome. Last evaluated: 2024-09-13. Review status: criteria provided, single submitter. Criteria: Ambry Variant Classification Scheme 2023. Collection method: clinical testing. Allele origin: germline.
Comment: The p.E1813K variant (also known as c.5437G>A), located in coding exon 24 of the DICER1 gene, results from a G to A substitution at nucleotide position 5437. The glutamic acid at codon 1813 is replaced by lysine, an amino acid with similar properties. This amino acid position is highly conserved in available vertebrate species. In addition, this alteration is predicted to be deleterious by in silico analysis. Based on the available evidence, the clinical significance of this variant remains unclear.

Institute for Genomic Medicine (IGM) Clinical Laboratory, Nationwide Children's Hospital
Classification: Tier I - Strong for Pleuropulmonary blastoma. Assertion type: diagnostic. Clinical significance: supports diagnosis. Last evaluated: 2023-12-20. Review status: criteria provided, single submitter. Criteria: AMP/ASCO/CAP Guidelines, 2017. Collection method: clinical testing. Allele origin: somatic. Affected: yes.
Comment: Variant has Tier I (strong) clinical significance as a diagnostic inclusion criterion in pleuropulmonary blastoma, based on the following evidence: 1) Diagnostic for a specific tumor type/classification according to professional guidelines (Evidence Level A; PMIDs: 23868280, 24675358, 24909177, 28624956, 31603374).

Institute for Genomic Medicine (IGM) Clinical Laboratory, Nationwide Children's Hospital
Classification: Tier I - Strong for Sertoli-Leydig cell tumor. Assertion type: diagnostic. Clinical significance: supports diagnosis. Last evaluated: 2023-02-25. Review status: criteria provided, single submitter. Criteria: AMP/ASCO/CAP Guidelines, 2017. Collection method: clinical testing. Allele origin: somatic. Affected: yes.
Comment: Variant has Tier I (strong) clinical significance as a diagnostic inclusion criterion in Sertoli-Leydig cell tumor, based on the following evidence: 1) Documented in one or more cancer databases (e.g., St. Jude Pecan, COSMIC, CIViC, OncoKB). 2) Appears in one or more well-established professional guidelines (e.g., World Health Organization [WHO]; National Comprehensive Cancer Network [NCCN]) as providing diagnostic, prognostic, or therapeutic information. 3) Information in the literature supports potential biologic effect of variant (PMID: 30956758). 4) Diagnostic for a specific tumor type/classification based on well-powered studies with expert-level consensus (Evidence Level B; PMIDs: 22187960, 24136150, 26033501, 26428316, 28654427).

Foulkes Cancer Genetics LDI, Lady Davis Institute for Medical Research
Classification: Pathogenic for Pleuropulmonary blastoma. Last evaluated: 2019-07-01. Review status: criteria provided, single submitter. Criteria: ACMG Guidelines, 2015. Collection method: curation. Allele origin: somatic, unknown. Affected: yes. Observed: 30 variant alleles.
Comment: ACMG criteria met: PS3, PM1, PM2, PM7, PP3, PP4, BP1

Literature cited by the submitters: PubMed 29474644 (cited by Institute for Genomic Medicine (IGM) Clinical Laboratory, Nationwide Children's Hospital); PubMed 24617712 (cited by Institute for Genomic Medicine (IGM) Clinical Laboratory, Nationwide Children's Hospital); PubMed 26555935 (cited by Institute for Genomic Medicine (IGM) Clinical Laboratory, Nationwide Children's Hospital); PubMed 36251117 (cited by Institute for Genomic Medicine (IGM) Clinical Laboratory, Nationwide Children's Hospital); PubMed 38558329 (cited by Institute for Genomic Medicine (IGM) Clinical Laboratory, Nationwide Children's Hospital); PubMed 39283830 (cited by Institute for Genomic Medicine (IGM) Clinical Laboratory, Nationwide Children's Hospital); PubMed 27036314 (cited by Institute for Genomic Medicine (IGM) Clinical Laboratory, Nationwide Children's Hospital); PubMed 26033159 (cited by Institute for Genomic Medicine (IGM) Clinical Laboratory, Nationwide Children's Hospital); PubMed 31417090 (cited by Institute for Genomic Medicine (IGM) Clinical Laboratory, Nationwide Children's Hospital); PubMed 29881993 (cited by Institute for Genomic Medicine (IGM) Clinical Laboratory, Nationwide Children's Hospital and Foulkes Cancer Genetics LDI, Lady Davis Institute for Medical Research); PubMed 32291395 (cited by Institute for Genomic Medicine (IGM) Clinical Laboratory, Nationwide Children's Hospital); PubMed 36966138 (cited by Institute for Genomic Medicine (IGM) Clinical Laboratory, Nationwide Children's Hospital); PubMed 31487013 (cited by Institute for Genomic Medicine (IGM) Clinical Laboratory, Nationwide Children's Hospital); PubMed 34674226 (cited by Institute for Genomic Medicine (IGM) Clinical Laboratory, Nationwide Children's Hospital); PubMed 23868280 (cited by Institute for Genomic Medicine (IGM) Clinical Laboratory, Nationwide Children's Hospital); PubMed 24675358 (cited by Institute for Genomic Medicine (IGM) Clinical Laboratory, Nationwide Children's Hospital); PubMed 24909177 (cited by Institute for Genomic Medicine (IGM) Clinical Laboratory, Nationwide Children's Hospital and Foulkes Cancer Genetics LDI, Lady Davis Institute for Medical Research); PubMed 28624956 (cited by Institute for Genomic Medicine (IGM) Clinical Laboratory, Nationwide Children's Hospital); PubMed 31603374 (cited by Institute for Genomic Medicine (IGM) Clinical Laboratory, Nationwide Children's Hospital); PubMed 30956758 (cited by Institute for Genomic Medicine (IGM) Clinical Laboratory, Nationwide Children's Hospital); PubMed 22187960 (cited by Institute for Genomic Medicine (IGM) Clinical Laboratory, Nationwide Children's Hospital and Foulkes Cancer Genetics LDI, Lady Davis Institute for Medical Research); PubMed 24136150 (cited by Institute for Genomic Medicine (IGM) Clinical Laboratory, Nationwide Children's Hospital and Foulkes Cancer Genetics LDI, Lady Davis Institute for Medical Research); PubMed 26033501 (cited by Institute for Genomic Medicine (IGM) Clinical Laboratory, Nationwide Children's Hospital and Foulkes Cancer Genetics LDI, Lady Davis Institute for Medical Research); PubMed 26428316 (cited by Institute for Genomic Medicine (IGM) Clinical Laboratory, Nationwide Children's Hospital); PubMed 28654427 (cited by Institute for Genomic Medicine (IGM) Clinical Laboratory, Nationwide Children's Hospital and Foulkes Cancer Genetics LDI, Lady Davis Institute for Medical Research); PubMed 21205968 (cited by Foulkes Cancer Genetics LDI, Lady Davis Institute for Medical Research); PubMed 24151152 (cited by Foulkes Cancer Genetics LDI, Lady Davis Institute for Medical Research); PubMed 24481001 (cited by Foulkes Cancer Genetics LDI, Lady Davis Institute for Medical Research); PubMed 24839956 (cited by Foulkes Cancer Genetics LDI, Lady Davis Institute for Medical Research); PubMed 27459524 (cited by Foulkes Cancer Genetics LDI, Lady Davis Institute for Medical Research); PubMed 25118636 (cited by Foulkes Cancer Genetics LDI, Lady Davis Institute for Medical Research); PubMed 26841698 (cited by Foulkes Cancer Genetics LDI, Lady Davis Institute for Medical Research); PubMed 27664536 (cited by Foulkes Cancer Genetics LDI, Lady Davis Institute for Medical Research); PubMed 28177962 (cited by Foulkes Cancer Genetics LDI, Lady Davis Institute for Medical Research); PubMed 28862265 (cited by Foulkes Cancer Genetics LDI, Lady Davis Institute for Medical Research); PubMed 28834809 (cited by Foulkes Cancer Genetics LDI, Lady Davis Institute for Medical Research); PubMed 29037807 (cited by Foulkes Cancer Genetics LDI, Lady Davis Institute for Medical Research); PubMed 29315962 (cited by Foulkes Cancer Genetics LDI, Lady Davis Institute for Medical Research); PubMed 29660837 (cited by Foulkes Cancer Genetics LDI, Lady Davis Institute for Medical Research); PubMed 30260442 (cited by Foulkes Cancer Genetics LDI, Lady Davis Institute for Medical Research); PubMed 30266945 (cited by Foulkes Cancer Genetics LDI, Lady Davis Institute for Medical Research); PubMed 30446821 (cited by Foulkes Cancer Genetics LDI, Lady Davis Institute for Medical Research); PubMed 30649606 (cited by Foulkes Cancer Genetics LDI, Lady Davis Institute for Medical Research).